The following is an entry in ClinVar:

NM_000238.4(KCNH2):c.2734C>G (p.Arg912Gly)

Gene: KCNH2 (potassium voltage-gated channel subfamily H member 2; minus strand). Cytogenetic location: 7q36.1.
Variant type: single nucleotide variant.
Coding change: c.2734C>G on transcript NM_000238.4 (MANE Select); coding-DNA position 2734, C replaced by G.
Protein change: p.Arg912Gly; replaces arginine 912 with glycine.
Molecular consequence: missense variant.
Genome position (GRCh38, 1-based): chr7:150,947,837, G>C on the plus strand (C>G on the coding strand, the complement: KCNH2 is on the minus strand). VCF-style: chr7-150947837-G-C. GRCh37 (hg19) VCF-style: chr7-150644925-G-C.
Other names: c.2446C>G, p.Arg816Gly (NM_001406753.1); c.1714C>G, p.Arg572Gly (NM_172057.3); short protein forms R816G, R572G, R912G.
Identifiers: ClinVar variation 2098288 (VCV002098288.2), dbSNP rs577847157, ClinGen allele CA369853494.
Genomic context (GRCh38, chr7:150,947,837, plus strand): 5'-ACGGGCTCTCCCCCCACGGCCCCCCCGGCCGGCCCCGGCTACTCGGCCCTGCCCCCGCCC[G>C]GCCCGGCCCCAAGGCCGACACCTCCCCTGGCTGCTCCGTGTCTGTGGGAAACAGAGAATG-3'
Protein context (NP_000229.1, residues 902-922): PGEVSALGPG[Arg912Gly]AGAGPSSRGR

ClinVar aggregate classification (germline): Uncertain significance (1 of 4 stars; one submission).

Conditions:
Long QT syndrome (LQTS). Identifiers: MedGen C0023976, MeSH D008133, MONDO:0002442. Disease mechanism: loss of function. Inheritance: Various modes of inheritance.

Submission:

Labcorp Genetics (formerly Invitae), Labcorp
Classification: Uncertain significance for Long QT syndrome. Last evaluated: 2022-02-18. Review status: criteria provided, single submitter. Criteria: Invitae Variant Classification Sherloc (09022015). Collection method: clinical testing. Allele origin: germline.
Comment: This sequence change replaces arginine, which is basic and polar, with glycine, which is neutral and non-polar, at codon 912 of the KCNH2 protein (p.Arg912Gly). In summary, the available evidence is currently insufficient to determine the role of this variant in disease. Therefore, it has been classified as a Variant of Uncertain Significance. Algorithms developed to predict the effect of missense changes on protein structure and function (SIFT, PolyPhen-2, Align-GVGD) all suggest that this variant is likely to be tolerated. This variant has not been reported in the literature in individuals affected with KCNH2-related conditions. This variant is not present in population databases (gnomAD no frequency).